The following is an entry in ClinVar:

ClinVar aggregate classification (germline): Likely pathogenic (1 of 4 stars; one submission).

Conditions:
Autosomal recessive nonsyndromic hearing loss 77. Identifiers: Orphanet 90636, MedGen C2746083, MONDO:0013119, OMIM 613079.

Submission:

Natera, Inc.
Classification: Likely pathogenic for Autosomal recessive deafness type 77. Last evaluated: 2026-01-29. Review status: criteria provided, single submitter. Criteria: Natera Variant Classification Schema (03/2026). Collection method: clinical testing. Allele origin: germline.
Comment: The c.1678_1679dup variant in LOXHD1 is a frameshift variant predicted to shift the reading frame beginning at codon 561 and leads to a stop codon 58 codons downstream. This variant is expected to result in nonsense mediated decay, truncation, or a dysfunctional protein product. This variant is rare in the general population with a frequency below the threshold expected for the associated phenotype(s). Given the available evidence, this variant is classified as Likely Pathogenic.

NM_001384474.1(LOXHD1):c.1678_1679dup (p.Thr561fs)

Gene: LOXHD1 (lipoxygenase homology PLAT domains 1; minus strand). Cytogenetic location: 18q21.1.
Variant type: Microsatellite.
Coding change: c.1678_1679dup on transcript NM_001384474.1 (MANE Select); coding-DNA positions 1678 to 1679, 2 bases duplicated (TG; older notation c.1678_1679dupTG).
Protein change: p.Thr561fs; shifts the reading frame from threonine 561.
Molecular consequence: frameshift variant.
Genome position (GRCh38, 1-based): chr18:46,579,760-46,579,761, CA duplicated on the plus strand (TG on the coding strand, the reverse complement: LOXHD1 is on the minus strand); duplicating any 2 consecutive bases within chr18:46,579,760-46,579,765 gives the same sequence; the c. name uses the placement nearest the transcript's 3' end. VCF-style (leftmost placement, unchanged base first): chr18-46579759-G-GCA. GRCh37 (hg19) VCF-style: chr18-44159722-G-GCA.
Other names: c.1678_1679dup, p.Thr561fs (NM_144612.7); short protein forms T561fs.
Identifiers: ClinVar variation 4816817 (VCV004816817.1).